The following is an entry in ClinVar:

ClinVar aggregate classification (germline): Uncertain significance. Review status: criteria provided, multiple submitters, no conflicts (2 of 4 stars). 2 submissions from 2 submitters: Uncertain significance (2). Last evaluated 2025-06-16.

Conditions:
Hereditary cancer-predisposing syndrome. Also called: Tumor predisposition; Hereditary neoplastic syndrome; Neoplastic Syndromes, Hereditary; Hereditary Cancer Syndrome. Identifiers: Orphanet 140162, MedGen C0027672, MeSH D009386, MONDO:0015356.
Familial cancer of breast. Also called: Hereditary breast cancer; BREAST CANCER, FAMILIAL; hereditary breast carcinoma. Identifiers: Orphanet 227535, MedGen C0346153, MONDO:0016419, OMIM 114480. Disease mechanism: loss of function.

Submissions (2):

Ambry Genetics
Classification: Uncertain significance for Hereditary cancer-predisposing syndrome. Last evaluated: 2025-06-16. Review status: criteria provided, single submitter. Criteria: Ambry Variant Classification Scheme 2023. Collection method: clinical testing. Allele origin: germline.
Comment: The c.1461+3G>C intronic variant results from a G to C substitution 3 nucleotides after coding exon 12 in the CHEK2 gene. This nucleotide position is well conserved in available vertebrate species. In silico splice site analysis predicts that this alteration will not have any significant effect on splicing. RNA studies have demonstrated that this alteration results in a splice defect; the clinical impact of this abnormal splicing is unknown at this time (Ambry internal data). Based on the available evidence, the clinical significance of this variant remains unclear.

Labcorp Genetics (formerly Invitae), Labcorp
Classification: Uncertain significance for Familial cancer of breast. Last evaluated: 2020-12-06. Review status: criteria provided, single submitter. Criteria: Invitae Variant Classification Sherloc (09022015). Collection method: clinical testing. Allele origin: germline.
Comment: In summary, the available evidence is currently insufficient to determine the role of this variant in disease. Therefore, it has been classified as a Variant of Uncertain Significance. Nucleotide substitutions within the consensus splice site are a relatively common cause of aberrant splicing (PMID: 17576681, 9536098). Algorithms developed to predict the effect of sequence changes on RNA splicing suggest that this variant is not likely to affect RNA splicing, but this prediction has not been confirmed by published transcriptional studies. This variant has not been reported in the literature in individuals with CHEK2-related conditions. This variant is not present in population databases (ExAC no frequency). This sequence change falls in intron 13 of the CHEK2 gene. It does not directly change the encoded amino acid sequence of the CHEK2 protein. It affects a nucleotide within the consensus splice site of the intron.

Literature cited by the submitters: PubMed 17576681 (cited by Labcorp Genetics (formerly Invitae), Labcorp); PubMed 9536098 (cited by Labcorp Genetics (formerly Invitae), Labcorp).

NM_007194.4(CHEK2):c.1461+3G>C

Gene: CHEK2 (checkpoint kinase 2; minus strand). Cytogenetic location: 22q12.1.
Variant type: single nucleotide variant.
Coding change: c.1461+3G>C on transcript NM_007194.4 (MANE Select); 3 bases into the intron after coding-DNA position 1461, G replaced by C.
Molecular consequence: intron variant.
Genome position (GRCh38, 1-based): chr22:28,694,029, C>G on the plus strand (G>C on the coding strand, the complement: CHEK2 is on the minus strand). VCF-style: chr22-28694029-C-G. GRCh37 (hg19) VCF-style: chr22-29090017-C-G.
Other names: c.798+3G>C (NM_001437942.1, NM_001257387.3); c.1260+3G>C (NM_001349956.3); c.1374+3G>C (NM_145862.3); c.1467+3G>C (NM_001438295.1); c.1554+3G>C (NM_001438293.1); c.1503+3G>C (NM_001438294.1); c.1590+3G>C (NM_001005735.3); c.1461+3G>C (NM_007194.3).
Identifiers: ClinVar variation 1428122 (VCV001428122.8), dbSNP rs1555913067, ClinGen allele CA2573157957.